The following is an entry in ClinVar:

ClinVar aggregate classification (germline): Conflicting classifications of pathogenicity. Review status: criteria provided, conflicting classifications (1 of 4 stars). 3 submissions from 3 submitters: Uncertain significance (1); Likely benign (2). Last evaluated 2025-10-20.

Conditions:
Multiple endocrine neoplasia, type 1 (MEN1). Also called: WERMER SYNDROME; Endocrine adenomatosis multiple; MEN 1; MEA I; MEN I. Identifiers: Orphanet 652, MedGen C0025267, MeSH D018761, MONDO:0007540, OMIM 131100.
Hereditary cancer-predisposing syndrome. Also called: Hereditary neoplastic syndrome; Neoplastic Syndromes, Hereditary; Hereditary Cancer Syndrome; Tumor predisposition. Identifiers: Orphanet 140162, MedGen C0027672, MeSH D009386, MONDO:0015356.

Allele frequency attached by ClinVar (database versions not stated): TOPMed 0.00002; gnomAD 0.00006.
gnomAD v4.1: 15 of 1,606,356 alleles (0.00093%); highest among the groups gnomAD compares: African/African-American, 0.004%; no homozygotes.

Submissions (3):

Labcorp Genetics (formerly Invitae), Labcorp
Classification: Likely benign for Multiple endocrine neoplasia, type 1. Last evaluated: 2025-10-20. Review status: criteria provided, single submitter. Criteria: Invitae Variant Classification Sherloc (09022015). Collection method: clinical testing. Allele origin: germline.

Ambry Genetics
Classification: Likely benign for Hereditary cancer-predisposing syndrome. Last evaluated: 2024-11-15. Review status: criteria provided, single submitter. Criteria: Ambry Variant Classification Scheme 2023. Collection method: clinical testing. Allele origin: germline.

All of Us Research Program, National Institutes of Health
Classification: Uncertain significance for Multiple endocrine neoplasia, type 1. Last evaluated: 2023-08-15. Review status: criteria provided, single submitter. Criteria: ACMG Guidelines, 2015. Collection method: clinical testing. Allele origin: germline. Inheritance: Autosomal dominant inheritance. Observed: 2 variant alleles, 2 heterozygotes.
Comment: This missense variant replaces arginine with glycine at codon 516 of the MEN1 protein. Computational prediction is inconclusive regarding the impact of this variant on protein structure and function (internally defined REVEL score threshold 0.5 < inconclusive < 0.7, PMID: 27666373). To our knowledge, functional studies have not been reported for this variant. This variant has been reported in an individual affected with a proinsulin secreting pancreatic endocrine tumor (PMID: 18206547). This variant has been identified in 3/267882 chromosomes in the general population by the Genome Aggregation Database (gnomAD). The available evidence is insufficient to determine the role of this variant in disease conclusively. Therefore, this variant is classified as a Variant of Uncertain Significance.

This study involves interpretation of variants in research participants for the purpose of population health screening. Participant phenotype was not available at the time of variant classification. Additional details can be found in publication PMID: 35346344, PMCID: PMC8962531

Literature cited by the submitters: PubMed 18206547 (cited by Ambry Genetics and All of Us Research Program, National Institutes of Health).

NM_001370259.2(MEN1):c.1546C>G (p.Arg516Gly)

Gene: MEN1 (menin 1; minus strand). Cytogenetic location: 11q13.1.
Variant type: single nucleotide variant.
Coding change: c.1546C>G on transcript NM_001370259.2 (MANE Select); coding-DNA position 1546, C replaced by G.
Protein change: p.Arg516Gly; replaces arginine 516 with glycine.
Molecular consequence: missense variant.
Genome position (GRCh38, 1-based): chr11:64,804,621, G>C on the plus strand (C>G on the coding strand, the complement: MEN1 is on the minus strand). VCF-style: chr11-64804621-G-C. GRCh37 (hg19) VCF-style: chr11-64572093-G-C.
Other names: c.1561C>G, p.Arg521Gly (NM_000244.4, NM_130800.3, NM_130801.3 and 3 more transcripts); c.1672C>G, p.Arg558Gly (NM_001370251.2); c.1546C>G, p.Arg516Gly (NM_001370260.2, NM_001370261.2, NM_130799.3); c.1441C>G, p.Arg481Gly (NM_001370262.2, NM_001370263.2); short protein forms R521G, R516G, R481G, R558G.
Identifiers: ClinVar variation 574091 (VCV000574091.14), dbSNP rs763160290, ClinGen allele CA060769.
Genomic context (GRCh38, chr11:64,804,621, plus strand): 5'-GAGCCGTGCTGCCACCTTCAGGGCCTCGGGCTGTGCCAGCGACAGTCCCAGGAGGCTTCC[G>C]GGGGGGTCCTGACACTGCACCCTGGCCGGTGCCCAGGCCCTTGTCCAGTGCTGGCTTCTT-3'
Protein context (NP_001357188.2, residues 506-526): TGQGAVSGPP[Arg516Gly]KPPGTVAGTA